The following is an entry in ClinVar:

ClinVar aggregate classification (germline): Uncertain significance. Review status: criteria provided, multiple submitters, no conflicts (2 of 4 stars). 2 submissions from 2 submitters: Uncertain significance (2). Last evaluated 2025-10-07.

Conditions:
Hereditary cancer-predisposing syndrome. Also called: Neoplastic Syndromes, Hereditary; Tumor predisposition; Hereditary neoplastic syndrome; Hereditary Cancer Syndrome. Identifiers: Orphanet 140162, MedGen C0027672, MeSH D009386, MONDO:0015356.

Allele frequency attached by ClinVar (database versions not stated): gnomAD exomes below 0.00001; ExAC 0.00001; gnomAD 0.00001; TOPMed 0.00001.
gnomAD v4.1: 3 of 1,613,466 alleles (0.00019%); highest among the groups gnomAD compares: Non-Finnish European, 0.00025%; no homozygotes.

Submissions (2):

Labcorp Genetics (formerly Invitae), Labcorp
Classification: Uncertain significance. Last evaluated: 2025-10-07. Review status: criteria provided, single submitter. Criteria: Invitae Variant Classification Sherloc (09022015). Collection method: clinical testing. Allele origin: germline.
Comment: This sequence change replaces arginine, which is basic and polar, with cysteine, which is neutral and slightly polar, at codon 975 of the POLE protein (p.Arg975Cys). This variant is present in population databases (rs753759783, gnomAD 0.002%). This variant has not been reported in the literature in individuals affected with POLE-related conditions. ClinVar contains an entry for this variant (Variation ID: 567198). Invitae Evidence Modeling of protein sequence and biophysical properties (such as structural, functional, and spatial information, amino acid conservation, physicochemical variation, residue mobility, and thermodynamic stability) indicates that this missense variant is expected to disrupt POLE protein function with a positive predictive value of 80%. In summary, the available evidence is currently insufficient to determine the role of this variant in disease. Therefore, it has been classified as a Variant of Uncertain Significance.

Ambry Genetics
Classification: Uncertain significance for Hereditary cancer-predisposing syndrome. Last evaluated: 2024-12-14. Review status: criteria provided, single submitter. Criteria: Ambry Variant Classification Scheme 2023. Collection method: clinical testing. Allele origin: germline.
Comment: The p.R975C variant (also known as c.2923C>T), located in coding exon 25 of the POLE gene, results from a C to T substitution at nucleotide position 2923. The arginine at codon 975 is replaced by cysteine, an amino acid with highly dissimilar properties. Based on the available evidence, the clinical significance of this variant remains unclear.

NM_006231.4(POLE):c.2923C>T (p.Arg975Cys)

Gene: POLE (DNA polymerase epsilon, catalytic subunit; minus strand). Cytogenetic location: 12q24.33.
Variant type: single nucleotide variant.
Coding change: c.2923C>T on transcript NM_006231.4 (MANE Select); coding-DNA position 2923, C replaced by T.
Protein change: p.Arg975Cys; replaces arginine 975 with cysteine.
Molecular consequence: missense variant.
Genome position (GRCh38, 1-based): chr12:132,661,106, G>A on the plus strand (C>T on the coding strand, the complement: POLE is on the minus strand). VCF-style: chr12-132661106-G-A. GRCh37 (hg19) VCF-style: chr12-133237692-G-A.
Other names: c.2923C>T (NM_006231.2); short protein forms R975C.
Identifiers: ClinVar variation 567198 (VCV000567198.9), dbSNP rs753759783, ClinGen allele CA6893402.
Genomic context (GRCh38, chr12:132,661,106, plus strand): 5'-TGAGGAAGGCCTCAAACACCGAGGATTGGAAGATCTTAATCAGCTGCAGTTCCCCGCGGC[G>A]TTTGACCTCAAAGCCCTTGAGCTCAGCCAGAGAACCGTCTTCATTGAACACAGCATACCT-3'
Protein context (NP_006222.2, residues 965-985): LAELKGFEVK[Arg975Cys]RGELQLIKIF